The following is an entry in ClinVar:

NM_000090.4(COL3A1):c.371G>A (p.Gly124Asp)

Gene: COL3A1 (collagen type III alpha 1 chain; plus strand). Cytogenetic location: 2q32.2.
Variant type: single nucleotide variant.
Coding change: c.371G>A on transcript NM_000090.4 (MANE Select); coding-DNA position 371, G replaced by A.
Protein change: p.Gly124Asp; replaces glycine 124 with aspartic acid.
Molecular consequence: missense variant.
Genome position (GRCh38, 1-based): chr2:188,985,702, G>A. VCF-style: chr2-188985702-G-A. GRCh37 (hg19) VCF-style: chr2-189850428-G-A.
Other names: short protein forms G124D.
Identifiers: ClinVar variation 4800314 (VCV004800314.1).

ClinVar aggregate classification (germline): Uncertain significance (1 of 4 stars; one submission).

Conditions:
Ehlers-Danlos syndrome, type 4 (EDSVASC). Also called: Ehlers-Danlos syndrome vascular type; Ehlers Danlos syndrome, ecchymotic type; Ehlers Danlos syndrome, arterial type; Ehlers Danlos syndrome, Sack-Barabas type; Ehlers-Danlos Syndrome Type IV. Identifiers: Orphanet 286, MedGen C0268338, MONDO:0017314, OMIM 130050.

Submission:

Labcorp Genetics (formerly Invitae), Labcorp
Classification: Uncertain significance for Ehlers-Danlos syndrome, type 4. Last evaluated: 2025-12-14. Review status: criteria provided, single submitter. Criteria: Invitae Variant Classification Sherloc (09022015). Collection method: clinical testing. Allele origin: germline.
Comment: This sequence change replaces glycine, which is neutral and non-polar, with aspartic acid, which is acidic and polar, at codon 124 of the COL3A1 protein (p.Gly124Asp). This variant is not present in population databases (gnomAD no frequency). This variant has not been reported in the literature in individuals affected with COL3A1-related conditions. Invitae Evidence Modeling of protein sequence and biophysical properties (such as structural, functional, and spatial information, amino acid conservation, physicochemical variation, residue mobility, and thermodynamic stability) indicates that this missense variant is expected to disrupt COL3A1 protein function with a positive predictive value of 95%. In summary, the available evidence is currently insufficient to determine the role of this variant in disease. Therefore, it has been classified as a Variant of Uncertain Significance.